The following is an entry in ClinVar:

ClinVar aggregate classification (germline): Benign/Likely benign. Review status: criteria provided, multiple submitters, no conflicts (2 of 4 stars). 3 submissions from 3 submitters: Benign (1); Likely benign (2). Last evaluated 2025-10-07.

Conditions:
Hereditary cancer-predisposing syndrome. Also called: Neoplastic Syndromes, Hereditary; Hereditary Cancer Syndrome; Hereditary neoplastic syndrome; Tumor predisposition. Identifiers: Orphanet 140162, MedGen C0027672, MeSH D009386, MONDO:0015356.
Familial cancer of breast. Also called: BREAST CANCER, FAMILIAL; hereditary breast carcinoma; Hereditary breast cancer. Identifiers: Orphanet 227535, MedGen C0346153, MONDO:0016419, OMIM 114480. Disease mechanism: loss of function.

Allele frequency attached by ClinVar (database versions not stated): gnomAD exomes below 0.00001.
gnomAD v4.1: 2 of 1,613,468 alleles (0.00012%); highest among the groups gnomAD compares: Non-Finnish European, 0.00017%; no homozygotes.

Submissions (3):

Labcorp Genetics (formerly Invitae), Labcorp
Classification: Likely benign for Familial cancer of breast. Last evaluated: 2025-10-07. Review status: criteria provided, single submitter. Criteria: Invitae Variant Classification Sherloc (09022015). Collection method: clinical testing. Allele origin: germline.

Myriad Genetics, Inc.
Classification: Benign for Familial cancer of breast. Last evaluated: 2024-07-24. Review status: criteria provided, single submitter. Criteria: Myriad Autosomal Dominant, Autosomal Recessive and X-Linked Classification Criteria (2023). Collection method: clinical testing. Allele origin: unknown.
Comment: This variant is considered benign. This variant is a silent/synonymous amino acid change and it is not expected to impact splicing.

Ambry Genetics
Classification: Likely benign for Hereditary cancer-predisposing syndrome. Last evaluated: 2017-03-21. Review status: criteria provided, single submitter. Criteria: Ambry Variant Classification Scheme 2023. Collection method: clinical testing. Allele origin: germline.

NM_000465.4(BARD1):c.1338C>T (p.Tyr446=)

Gene: BARD1 (BRCA1 associated RING domain 1; minus strand). Cytogenetic location: 2q35.
Variant type: single nucleotide variant.
Coding change: c.1338C>T on transcript NM_000465.4 (MANE Select); coding-DNA position 1338, C replaced by T.
Protein change: p.Tyr446=; no amino-acid change (tyrosine 446 retained).
Molecular consequence: synonymous variant. On other transcripts: non-coding transcript variant (3), intron variant (3).
Genome position (GRCh38, 1-based): chr2:214,769,289, G>A on the plus strand (C>T on the coding strand, the complement: BARD1 is on the minus strand). VCF-style: chr2-214769289-G-A. GRCh37 (hg19) VCF-style: chr2-215634013-G-A.
Other names: c.1281C>T, p.Tyr427= (NM_001282543.2); c.159-16734C>T (NM_001282548.2); c.216-16734C>T (NM_001282545.2); c.364+23008C>T (NM_001282549.2).
Identifiers: ClinVar variation 479181 (VCV000479181.18), dbSNP rs761702998, ClinGen allele CA431130680.
Genomic context (GRCh38, chr2:214,769,289, plus strand): 5'-TACCAATGGTGTCCATCCAGCATGGTCTTTAACATTTGGATCACTTCCATTTTGTAAAAG[G>A]TATTCAACAGAAGGTATGTCGCCCTAGAAAAATGAACAAAACGGAAATTAAAAAGCATTA-3'
Protein context (NP_000456.2, residues 436-456): SIKGDIPSVE[Tyr446=]LLQNGSDPNV